The following is an entry in ClinVar:

ClinVar aggregate classification (germline): Uncertain significance (1 of 4 stars; one submission).

Submission:

Labcorp Genetics (formerly Invitae), Labcorp
Classification: Uncertain significance. Last evaluated: 2023-09-21. Review status: criteria provided, single submitter. Criteria: Invitae Variant Classification Sherloc (09022015). Collection method: clinical testing. Allele origin: germline.
Comment: In summary, the available evidence is currently insufficient to determine the role of this variant in disease. Therefore, it has been classified as a Variant of Uncertain Significance. Experimental studies and prediction algorithms are not available or were not evaluated, and the functional significance of this variant is currently unknown. This variant has not been reported in the literature in individuals affected with IKZF1-related conditions. This variant is not present in population databases (gnomAD no frequency). This variant, c.549_551dup, results in the insertion of 1 amino acid(s) of the IKZF1 protein (p.Arg185dup), but otherwise preserves the integrity of the reading frame.

NM_006060.6(IKZF1):c.546CCG[3] (p.Arg185_Asp186insArg)

Gene: IKZF1 (IKAROS family zinc finger 1; plus strand). Cytogenetic location: 7p12.2.
Variant type: Microsatellite.
Coding change: c.546CCG[3] on transcript NM_006060.6 (MANE Select); three copies in a row of the 3-base unit CCG starting at c.546; the reference has two copies in a row; one copy, 3 bases duplicated.
Protein change: p.Arg185_Asp186insArg.
Molecular consequence: inframe insertion. On other transcripts: intron variant (6).
Genome position (GRCh38, 1-based): chr7:50,382,667-50,382,669, CCG duplicated; duplicating any 3 consecutive bases within chr7:50,382,663-50,382,669 gives the same sequence; the position shown is the placement nearest the transcript's 3' end. VCF-style (leftmost placement, unchanged base first): chr7-50382662-T-TGCC. GRCh37 (hg19) VCF-style: chr7-50450360-T-TGCC.
Other names: c.546CCG[3], p.Arg185_Asp186insArg (NM_001220765.3, NM_001220768.2, NM_001291837.2); c.285CCG[3], p.Arg98_Asp99insArg (NM_001220767.2, NM_001220770.2, NM_001291838.2 and 1 more transcripts); c.606CCG[3], p.Arg205_Asp206insArg (NM_001410879.1); c.421+5870GCC[3] (NM_001220771.2); c.161-4682GCC[3] (NM_001291841.1, NM_001291842.1); c.161-9066GCC[3] (NM_001291843.1, NM_001291844.1); c.161-17255GCC[3] (NM_001291840.1).
Identifiers: ClinVar variation 2762503 (VCV002762503.3), dbSNP rs2538287973, ClinGen allele CA2697557260.
Genomic context (GRCh38, chr7:50,382,662, plus strand): 5'-CGGCACATCAAGCTGCATTCCGGGGAGAAGCCCTTCAAATGCCACCTCTGCAACTACGCC[T>TGCC]GCCGCCGGAGGGACGCCCTCACTGGCCACCTGAGGACGCACTCCGGTAGGTCCCCTGGAT-3'